The following is an entry in ClinVar:

NM_025077.4(TOE1):c.1097C>T (p.Pro366Leu)

Gene: TOE1 (target of EGR1, exonuclease; plus strand). Cytogenetic location: 1p34.1.
Variant type: single nucleotide variant.
Coding change: c.1097C>T on transcript NM_025077.4 (MANE Select); coding-DNA position 1097, C replaced by T.
Protein change: p.Pro366Leu; replaces proline 366 with leucine.
Molecular consequence: missense variant.
Genome position (GRCh38, 1-based): chr1:45,343,266, C>T. VCF-style: chr1-45343266-C-T. GRCh37 (hg19) VCF-style: chr1-45808938-C-T.
Other names: short protein forms P366L.
Identifiers: ClinVar variation 2072235 (VCV002072235.6), dbSNP rs150092925, ClinGen allele CA826778.

ClinVar aggregate classification (germline): Uncertain significance. Review status: criteria provided, multiple submitters, no conflicts (2 of 4 stars). 2 submissions from 2 submitters: Uncertain significance (2). Last evaluated 2024-06-17.

Conditions:
Inborn genetic diseases. Identifiers: MedGen C0950123, MeSH D030342.

Allele frequency attached by ClinVar (database versions not stated): ExAC 0.00016; gnomAD 0.00025; gnomAD exomes 0.00033; ESP Exome Variant Server 0.00015; 1000 Genomes Project 30x 0.00016; 1000 Genomes Project 0.00020; TOPMed 0.00020.
gnomAD v4.1: 528 of 1,614,046 alleles (0.033%); highest among the groups gnomAD compares: Non-Finnish European, 0.041%; 1 homozygote.

Submissions (2):

Labcorp Genetics (formerly Invitae), Labcorp
Classification: Uncertain significance. Last evaluated: 2024-06-17. Review status: criteria provided, single submitter. Criteria: Invitae Variant Classification Sherloc (09022015). Collection method: clinical testing. Allele origin: germline.
Comment: This sequence change replaces proline, which is neutral and non-polar, with leucine, which is neutral and non-polar, at codon 366 of the TOE1 protein (p.Pro366Leu). This variant is present in population databases (rs150092925, gnomAD 0.03%). This variant has not been reported in the literature in individuals affected with TOE1-related conditions. ClinVar contains an entry for this variant (Variation ID: 2072235). Advanced modeling of protein sequence and biophysical properties (such as structural, functional, and spatial information, amino acid conservation, physicochemical variation, residue mobility, and thermodynamic stability) performed at Invitae indicates that this missense variant is not expected to disrupt TOE1 protein function with a negative predictive value of 80%. In summary, the available evidence is currently insufficient to determine the role of this variant in disease. Therefore, it has been classified as a Variant of Uncertain Significance.

Ambry Genetics
Classification: Uncertain significance for Inborn genetic diseases. Last evaluated: 2024-05-14. Review status: criteria provided, single submitter. Criteria: Ambry Variant Classification Scheme 2023. Collection method: clinical testing. Allele origin: germline.